The following is an entry in ClinVar:

ClinVar aggregate classification (germline): Pathogenic/Likely pathogenic. Review status: criteria provided, multiple submitters, no conflicts (2 of 4 stars). 2 submissions from 2 submitters: Pathogenic (1); Likely pathogenic (1). Last evaluated 2024-10-14.

Conditions:
CYP11B2-related disorder.
Corticosterone methyl oxidase type II deficiency.

Submissions (2):

Natera, Inc.
Classification: Likely pathogenic for Corticosterone methyl oxidase type II deficiency. Last evaluated: 2024-10-14. Review status: criteria provided, single submitter. Criteria: Natera Variant Classification Schema (03/2026). Collection method: clinical testing. Allele origin: germline.
Comment: The c.1460dup variant in CYP11B2 is a frameshift variant predicted to shift the reading frame beginning at codon 488 and leads to a stop codon 16 codons downstream. This variant is expected to result in nonsense mediated decay, truncation, or a dysfunctional protein product. This variant is rare in the general population with a frequency below the threshold expected for the associated phenotype(s). Given the available evidence, this variant is classified as Likely Pathogenic.

Clinical Biochemistry Laboratory, Health Services Laboratory
Classification: Pathogenic for CYP11B2-related disorder. Last evaluated: 2023-11-20. Review status: criteria provided, single submitter. Criteria: ACMG Guidelines, 2015. Collection method: clinical testing. Allele origin: germline. Affected: yes.
Comment: ACMG:PVS1 PM2 PM3

NM_000498.3(CYP11B2):c.1460dup (p.Ile488fs)

Genes: CYP11B2 (cytochrome P450 family 11 subfamily B member 2; minus strand), LOC106799834 (CYP11B2 recombination region; plus strand). Cytogenetic location: 8q24.3.
Variant type: Duplication.
Coding change: c.1460dup on transcript NM_000498.3 (MANE Select); coding-DNA position 1460, one base duplicated (T; older notation c.1460dupT).
Protein change: p.Ile488fs; shifts the reading frame from isoleucine 488.
Molecular consequence: frameshift variant.
Genome position (GRCh38, 1-based): chr8:142,912,032, A duplicated on the plus strand (T on the coding strand, the reverse complement: CYP11B2 is on the minus strand); the first of 2 consecutive A bases (chr8:142,912,032-142,912,033); duplicating either gives the same sequence. VCF-style (leftmost placement, unchanged base first): chr8-142912031-G-GA. GRCh37 (hg19) VCF-style: chr8-143993447-G-GA.
Other names: short protein forms I488fs.
Identifiers: ClinVar variation 2674692 (VCV002674692.2), dbSNP rs1817544823, ClinGen allele CA1825514174.
Genomic context (GRCh38, chr8:142,912,031, plus strand): 5'-GATGCAAGACTAGTTAATCGCTCTGAAAGTGAGGAGGGGGGACGTGCCAGGCCTCAATAT[G>GA]AAGCTGTAGACCATCTTTATGTCCTCTTGAGTTAGTGTCTCCACCAGGAAGTGCTTCAGC-3'